The following is an entry in ClinVar:

NM_015238.3(WWC1):c.-5G>A

Genes: WWC1 (WW and C2 domain containing 1; plus strand), LOC129995211 (ATAC-STARR-seq lymphoblastoid silent region 16595; plus strand). Cytogenetic location: 5q34.
Variant type: single nucleotide variant.
Coding change: c.-5G>A on transcript NM_015238.3 (MANE Select); 5 bases upstream of the start codon, G replaced by A.
Molecular consequence: 5 prime UTR variant.
Genome position (GRCh38, 1-based): chr5:168,292,148, G>A. VCF-style: chr5-168292148-G-A. GRCh37 (hg19) VCF-style: chr5-167719153-G-A.
Other names: c.-5G>A (NM_001161661.2, NM_001161662.2).
Identifiers: ClinVar variation 2656035 (VCV002656035.24), dbSNP rs370421132, ClinGen allele CA3548345.

ClinVar aggregate classification (germline): Likely benign (1 of 4 stars; one submission).

Allele frequency attached by ClinVar (database versions not stated): gnomAD exomes 0.00020; ExAC 0.00084; ESP Exome Variant Server 0.00109; 1000 Genomes Project 0.00140; 1000 Genomes Project 30x 0.00141; gnomAD 0.00202; TOPMed 0.00233.
gnomAD v4.1: 616 of 1,538,334 alleles (0.04%); highest among the groups gnomAD compares: African/African-American, 0.72%; 8 homozygotes.

Submission:

CeGaT Center for Human Genetics Tuebingen
Classification: Likely benign. Last evaluated: 2023-02-01. Review status: criteria provided, single submitter. Criteria: CeGaT Center For Human Genetics Tuebingen Variant Classification Criteria Version 2. Collection method: clinical testing. Allele origin: germline. Affected: yes. Observed: 1 variant allele.
Comment: WWC1: BP4, BS2